The following is an entry in ClinVar:

NM_014244.5(ADAMTS2):c.1739G>C (p.Gly580Ala)

Gene: ADAMTS2 (ADAM metallopeptidase with thrombospondin type 1 motif 2; minus strand). Cytogenetic location: 5q35.3.
Variant type: single nucleotide variant.
Coding change: c.1739G>C on transcript NM_014244.5 (MANE Select); coding-DNA position 1739, G replaced by C.
Protein change: p.Gly580Ala; replaces glycine 580 with alanine.
Molecular consequence: missense variant.
Genome position (GRCh38, 1-based): chr5:179,139,926, C>G on the plus strand (G>C on the coding strand, the complement: ADAMTS2 is on the minus strand). VCF-style: chr5-179139926-C-G. GRCh37 (hg19) VCF-style: chr5-178566927-C-G.
Other names: p.Gly580Ala; short protein forms G580A.
Identifiers: ClinVar variation 2614955 (VCV002614955.3), dbSNP rs1171012655, ClinGen allele CA362427931.

ClinVar aggregate classification (germline): Uncertain significance. Review status: criteria provided, multiple submitters, no conflicts (2 of 4 stars). 2 submissions from 2 submitters: Uncertain significance (2). Last evaluated 2025-06-02.

Conditions:
Inborn genetic diseases. Identifiers: MedGen C0950123, MeSH D030342.

Allele frequency attached by ClinVar (database versions not stated): TOPMed below 0.00001; gnomAD 0.00001.
gnomAD v4.1: 6 of 1,612,440 alleles (0.00037%); highest among the groups gnomAD compares: Non-Finnish European, 0.00051%; no homozygotes.

Submissions (2):

Mayo Clinic Laboratories, Mayo Clinic
Classification: Uncertain significance. Last evaluated: 2025-06-02. Review status: criteria provided, single submitter. Criteria: ACMG Guidelines, 2015. Collection method: clinical testing. Allele origin: germline. Observed: 1 variant allele.
Comment: BP1, PP3_moderate, PM2_supporting

Ambry Genetics
Classification: Uncertain significance for Inborn genetic diseases. Last evaluated: 2023-07-31. Review status: criteria provided, single submitter. Criteria: Ambry Variant Classification Scheme 2023. Collection method: clinical testing. Allele origin: germline.